The following is an entry in ClinVar:

ClinVar aggregate classification (germline): Pathogenic. Review status: criteria provided, multiple submitters, no conflicts (2 of 4 stars). 3 submissions from 3 submitters: Pathogenic (2). 1 of the submissions does not count toward it. Last evaluated 2025-01-08.

Conditions:
Intellectual disability-epilepsy-extrapyramidal syndrome (NEDHELS). Also called: Dyskinesia, seizures, and intellectual developmental disorder. Identifiers: Orphanet 468620, MedGen C4310683, MONDO:0014952, OMIM 617171.

Allele frequency attached by ClinVar (database versions not stated): gnomAD exomes below 0.00001 and 0.00001; TOPMed 0.00001.
gnomAD v4.1: 2 of 1,614,200 alleles (0.00012%); highest among the groups gnomAD compares: Admixed American, 0.0033%; no homozygotes.

Submissions (3):

Labcorp Genetics (formerly Invitae), Labcorp
Classification: Pathogenic. Last evaluated: 2025-01-08. Review status: criteria provided, single submitter. Criteria: Invitae Variant Classification Sherloc (09022015). Collection method: clinical testing. Allele origin: germline.
Comment: This sequence change creates a premature translational stop signal (p.Trp234*) in the DEAF1 gene. It is expected to result in an absent or disrupted protein product. Loss-of-function variants in DEAF1 are known to be pathogenic (PMID: 30923367). This variant is present in population databases (no rsID available, gnomAD 0.006%). This premature translational stop signal has been observed in individual(s) with autosomal recessive DEAF1-related conditions (PMID: 30923367). ClinVar contains an entry for this variant (Variation ID: 422489). For these reasons, this variant has been classified as Pathogenic.

GeneDx
Classification: Pathogenic. Last evaluated: 2024-11-06. Review status: criteria provided, single submitter. Criteria: GeneDx Variant Classification Process June 2021. Collection method: clinical testing. Allele origin: germline. Affected: yes.
Comment: Nonsense variant predicted to result in protein truncation or nonsense mediated decay in a gene for which loss of function is a known mechanism of disease; Published functional studies demonstrate a damaging effect with a loss of transcriptional repression activity at the DEAF1 promotor (PMID: 30923367); This variant is associated with the following publications: (PMID: 30923367)

OMIM
Classification: Pathogenic for NEURODEVELOPMENTAL DISORDER WITH HYPOTONIA, IMPAIRED EXPRESSIVE LANGUAGE, AND SEIZURES. Last evaluated: 2020-06-01. Review status: no assertion criteria provided. Collection method: literature only. Allele origin: germline. Not counted in ClinVar's aggregate classification.

Literature cited by the submitters: PubMed 30923367 (cited by Labcorp Genetics (formerly Invitae), Labcorp and OMIM).

NM_021008.4(DEAF1):c.701G>A (p.Trp234Ter)

Gene: DEAF1 (DEAF1 transcription factor; minus strand). Cytogenetic location: 11p15.5.
Variant type: single nucleotide variant.
Coding change: c.701G>A on transcript NM_021008.4 (MANE Select); coding-DNA position 701, G replaced by A.
Protein change: p.Trp234Ter; replaces tryptophan 234 with a stop codon.
Molecular consequence: nonsense. On other transcripts: 5 prime UTR variant (4), intron variant (1).
Genome position (GRCh38, 1-based): chr11:686,961, C>T on the plus strand (G>A on the coding strand, the complement: DEAF1 is on the minus strand). VCF-style: chr11-686961-C-T. GRCh37 (hg19) VCF-style: chr11-686961-C-T.
Other names: c.-26G>A (NM_001367390.1, NM_001440885.1, NM_001440886.1 and 1 more transcripts); c.701G>A, p.Trp234Ter (NM_001440883.1, NM_001440884.1); c.664+950G>A (NM_001293634.2); short protein forms W234*.
Identifiers: ClinVar variation 422489 (VCV000422489.6), dbSNP rs1064795813, ClinGen allele CA16619392.
Genomic context (GRCh38, chr11:686,961, plus strand): 5'-CTTTTCCAGTCCTTACTGCTGGCTCTTCCTGCCATGGCCTCAAACTCGGTGGGACTGTAC[C>T]AGTTCTCCCCCTGCTTGATGCACCGTCCCCGGCCGCCTGCAAGGAAGGGCAGCAGTCATG-3'